The following is an entry in ClinVar:

ClinVar aggregate classification (germline): Uncertain significance (1 of 4 stars; one submission).

Submission:

GeneDx
Classification: Uncertain significance. Last evaluated: 2024-11-18. Review status: criteria provided, single submitter. Criteria: GeneDx Variant Classification Process June 2021. Collection method: clinical testing. Allele origin: germline. Affected: yes.
Comment: Not observed at significant frequency in large population cohorts (gnomAD); In-frame deletion of 1 amino acid in a non-repeat region; In silico analysis supports a deleterious effect on protein structure/function; In silico analysis is inconclusive as to whether the variant alters gene splicing. In the absence of RNA/functional studies, the actual effect of this sequence change is unknown.; Has not been previously published as pathogenic or benign to our knowledge

NM_003024.3(ITSN1):c.721_723del (p.Thr241del)

Gene: ITSN1 (intersectin 1; plus strand). Cytogenetic location: 21q22.11.
Variant type: Deletion.
Coding change: c.721_723del on transcript NM_003024.3 (MANE Select); coding-DNA positions 721 to 723, 3 bases deleted (ACA; older notation c.721_723delACA).
Protein change: p.Thr241del; deletes threonine 241.
Molecular consequence: inframe deletion.
Genome position (GRCh38, 1-based): chr21:33,755,394-33,755,396, ACA deleted; deleting any 3 consecutive bases within chr21:33,755,393-33,755,396 gives the same sequence; the c. name uses the placement nearest the transcript's 3' end. VCF-style (leftmost placement, unchanged base first): chr21-33755392-TAAC-T. GRCh37 (hg19) VCF-style: chr21-35127697-TAAC-T.
Other names: c.721_723del, p.Thr241del (NM_001001132.2, NM_001331008.2, NM_001331009.2 and 2 more transcripts); c.610_612del, p.Thr204del (NM_001331012.2); short protein forms T204del, T241del.
Identifiers: ClinVar variation 3899426 (VCV003899426.1).
Genomic context (GRCh38, chr21:33,755,392, plus strand): 5'-CATCAAGACTGAAATACAGGCAATTATTCAATAGTCATGACAAAACTATGAGTGGACACT[TAAC>T]AGGTATTTACAAATAAAAATTAGTGAAATATGATCTTTGTTTTCAATGTAAACTGTTTCT-3'